The following is an entry in ClinVar:

NM_015107.3(PHF8):c.1021G>A (p.Glu341Lys)

Gene: PHF8 (PHD finger protein 8; minus strand). Cytogenetic location: Xp11.22.
Variant type: single nucleotide variant.
Coding change: c.1021G>A on transcript NM_015107.3 (MANE Select); coding-DNA position 1021, G replaced by A.
Protein change: p.Glu341Lys; replaces glutamic acid 341 with lysine.
Molecular consequence: missense variant.
Genome position (GRCh38, 1-based): chrX:54,002,608, C>T on the plus strand (G>A on the coding strand, the complement: PHF8 is on the minus strand). VCF-style: chrX-54002608-C-T. GRCh37 (hg19) VCF-style: chrX-54029041-C-T.
Other names: c.1129G>A, p.Glu377Lys (NM_001184896.1); c.1021G>A, p.Glu341Lys (NM_001184897.2, NM_001184898.2); short protein forms E341K, E377K.
Identifiers: ClinVar variation 3361608 (VCV003361608.1).

ClinVar aggregate classification (germline): Uncertain significance (1 of 4 stars; one submission).

gnomAD v4.1: 1 of 1,186,985 alleles (0.000084%); highest among the groups gnomAD compares: African/African-American, 0.0017%; no homozygotes.

Submission:

GeneDx
Classification: Uncertain significance. Last evaluated: 2023-08-07. Review status: criteria provided, single submitter. Criteria: GeneDx Variant Classification Process June 2021. Collection method: clinical testing. Allele origin: germline. Affected: yes.
Comment: Not observed at significant frequency in large population cohorts (gnomAD); In silico analysis supports that this missense variant does not alter protein structure/function; Has not been previously published as pathogenic or benign to our knowledge